The following is an entry in ClinVar:

ClinVar aggregate classification (germline): Uncertain significance (1 of 4 stars; one submission).

gnomAD v4.1: 36 of 1,599,290 alleles (0.0023%); highest among the groups gnomAD compares: Admixed American, 0.0035%; no homozygotes.

Submission:

Mayo Clinic Laboratories, Mayo Clinic
Classification: Uncertain significance. Last evaluated: 2025-07-17. Review status: criteria provided, single submitter. Criteria: ACMG Guidelines, 2015. Collection method: clinical testing. Allele origin: germline. Observed: 2 variant alleles.
Comment: PM2_moderate

Literature cited by the submitters: PubMed 19085939; PubMed 26832193; PubMed 33631127.

NM_000298.6(PKLR):c.118C>T (p.Arg40Trp)

Gene: PKLR (pyruvate kinase L/R; minus strand). Cytogenetic location: 1q22.
Variant type: single nucleotide variant.
Coding change: c.118C>T on transcript NM_000298.6 (MANE Select); coding-DNA position 118, C replaced by T.
Protein change: p.Arg40Trp; replaces arginine 40 with tryptophan.
Molecular consequence: missense variant.
Genome position (GRCh38, 1-based): chr1:155,300,263, G>A on the plus strand (C>T on the coding strand, the complement: PKLR is on the minus strand). VCF-style: chr1-155300263-G-A. GRCh37 (hg19) VCF-style: chr1-155270054-G-A.
Other names: p.Arg40Trp; c.25C>T, p.Arg9Trp (NM_181871.4); short protein forms R40W, R9W.
Identifiers: ClinVar variation 3379933 (VCV003379933.2).
Genomic context (GRCh38, chr1:155,300,263, plus strand): 5'-GCTGCTGCTGGAAGAAGGCAGTGCCCAGCTCCTGGGTCAGTTGGGCCACACTGGCCCGCC[G>A]CAGATACCCCGCTGGCCCTGTGGTAGAAGGGGGCTCAGGGACTGCATGTCACCTGCCCTT-3'
Protein context (NP_000289.1, residues 30-50): GAPGGPAGYL[Arg40Trp]RASVAQLTQE